The following is an entry in ClinVar:

NM_004985.5(KRAS):c.39C>A (p.Gly13=)

Gene: KRAS (KRAS proto-oncogene, GTPase; minus strand). Cytogenetic location: 12p12.1.
Variant type: single nucleotide variant.
Coding change: c.39C>A on transcript NM_004985.5 (MANE Select); coding-DNA position 39, C replaced by A.
Protein change: p.Gly13=; no amino-acid change (glycine 13 retained).
Molecular consequence: synonymous variant.
Genome position (GRCh38, 1-based): chr12:25,245,346, G>T on the plus strand (C>A on the coding strand, the complement: KRAS is on the minus strand). VCF-style: chr12-25245346-G-T. GRCh37 (hg19) VCF-style: chr12-25398280-G-T.
Other names: c.39C>A, p.Gly13= (NM_001369786.1, NM_001369787.1, NM_033360.4).
Identifiers: ClinVar variation 163769 (VCV000163769.4), dbSNP rs397517040, ClinGen allele CA176496.

ClinVar aggregate classification (germline): Likely pathogenic (1 of 4 stars; one submission).

Conditions:
Non-small cell lung carcinoma (NSCLC). Also called: Non-small cell lung cancer. Identifiers: MedGen C0007131, MeSH D002289, MONDO:0005233, HP:0030358. Disease mechanism: Other.

Submission:

Laboratory for Molecular Medicine, Mass General Brigham Personalized Medicine
Classification: Likely pathogenic for Non-small cell lung carcinoma. Last evaluated: 2016-04-22. Review status: criteria provided, single submitter. Criteria: LMM Criteria. Collection method: clinical testing. Allele origin: somatic. Observed: 1 variant allele.
Comment: proposed classification - variant undergoing re-assessment, contact laboratory